The following is an entry in ClinVar:

ClinVar aggregate classification (germline): Uncertain significance. Review status: criteria provided, multiple submitters, no conflicts (2 of 4 stars). 2 submissions from 2 submitters: Uncertain significance (2). Last evaluated 2023-03-23.

Conditions:
Cardiovascular phenotype. Identifiers: MedGen CN230736.
Long QT syndrome (LQTS). Identifiers: MedGen C0023976, MeSH D008133, MONDO:0002442. Disease mechanism: loss of function. Inheritance: Various modes of inheritance.

Allele frequency attached by ClinVar (database versions not stated): ExAC 0.00001; gnomAD 0.00001; TOPMed 0.00002; ESP Exome Variant Server 0.00008.
gnomAD v4.1: 2 of 1,614,116 alleles (0.00012%); highest among the groups gnomAD compares: African/African-American, 0.0027%; no homozygotes.

Submissions (2):

Labcorp Genetics (formerly Invitae), Labcorp
Classification: Uncertain significance for Long QT syndrome. Last evaluated: 2023-03-23. Review status: criteria provided, single submitter. Criteria: Invitae Variant Classification Sherloc (09022015). Collection method: clinical testing. Allele origin: germline.
Comment: This sequence change replaces threonine, which is neutral and polar, with asparagine, which is neutral and polar, at codon 100 of the KCNJ5 protein (p.Thr100Asn). This variant is present in population databases (rs145386081, gnomAD 0.01%). This variant has not been reported in the literature in individuals affected with KCNJ5-related conditions. Advanced modeling of protein sequence and biophysical properties (such as structural, functional, and spatial information, amino acid conservation, physicochemical variation, residue mobility, and thermodynamic stability) performed at Invitae indicates that this missense variant is not expected to disrupt KCNJ5 protein function. In summary, the available evidence is currently insufficient to determine the role of this variant in disease. Therefore, it has been classified as a Variant of Uncertain Significance.

Ambry Genetics
Classification: Uncertain significance for Cardiovascular phenotype. Last evaluated: 2022-11-28. Review status: criteria provided, single submitter. Criteria: Ambry Variant Classification Scheme 2023. Collection method: clinical testing. Allele origin: germline.
Comment: The p.T100N variant (also known as c.299C>A), located in coding exon 1 of the KCNJ5 gene, results from a C to A substitution at nucleotide position 299. The threonine at codon 100 is replaced by asparagine, an amino acid with similar properties. This amino acid position is well conserved in available vertebrate species. In addition, the in silico prediction for this alteration is inconclusive. Since supporting evidence is limited at this time, the clinical significance of this alteration remains unclear.

NM_000890.5(KCNJ5):c.299C>A (p.Thr100Asn)

Gene: KCNJ5 (potassium inwardly rectifying channel subfamily J member 5; plus strand). Cytogenetic location: 11q24.3.
Variant type: single nucleotide variant.
Coding change: c.299C>A on transcript NM_000890.5 (MANE Select); coding-DNA position 299, C replaced by A.
Protein change: p.Thr100Asn; replaces threonine 100 with asparagine.
Molecular consequence: missense variant.
Genome position (GRCh38, 1-based): chr11:128,911,572, C>A. VCF-style: chr11-128911572-C-A. GRCh37 (hg19) VCF-style: chr11-128781467-C-A.
Other names: c.299C>A, p.Thr100Asn (NM_001354169.2); short protein forms T100N.
Identifiers: ClinVar variation 2449985 (VCV002449985.5), dbSNP rs145386081, ClinGen allele CA6357851.